The following is an entry in ClinVar:

ClinVar aggregate classification (germline): Likely benign. Review status: criteria provided, single submitter (1 of 4 stars). 2 submissions from 2 submitters: Likely benign (1). 1 of the submissions does not count toward it. Last evaluated 2026-02-02.

Conditions:
SMARCB1-related disorder. Also called: SMARCB1-related disorders; SMARCB1-related condition.

Allele frequency attached by ClinVar (database versions not stated): TOPMed 0.00004; ESP Exome Variant Server 0.00015.
gnomAD v4.1: 3 of 1,582,150 alleles (0.00019%); highest among the groups gnomAD compares: African/African-American, 0.0014%; no homozygotes.

Submissions (2):

Labcorp Genetics (formerly Invitae), Labcorp
Classification: Likely benign. Last evaluated: 2026-02-02. Review status: criteria provided, single submitter. Criteria: Invitae Variant Classification Sherloc (09022015). Collection method: clinical testing. Allele origin: germline.

PreventionGenetics, part of Exact Sciences
Classification: Likely benign for SMARCB1-related condition. Last evaluated: 2019-07-10. Review status: no assertion criteria provided. Collection method: clinical testing. Allele origin: germline. Not counted in ClinVar's aggregate classification.
Comment: This variant is classified as likely benign based on ACMG/AMP sequence variant interpretation guidelines (Richards et al. 2015 PMID: 25741868, with internal and published modifications).

NM_003073.5(SMARCB1):c.1119-14C>T

Gene: SMARCB1 (SWI/SNF related BAF chromatin remodeling complex subunit B1; plus strand). Cytogenetic location: 22q11.23.
Variant type: single nucleotide variant.
Coding change: c.1119-14C>T on transcript NM_003073.5 (MANE Select); 14 bases into the intron before coding-DNA position 1119, C replaced by T.
Molecular consequence: intron variant.
Genome position (GRCh38, 1-based): chr22:23,834,127, C>T. VCF-style: chr22-23834127-C-T. GRCh37 (hg19) VCF-style: chr22-24176314-C-T.
Other names: c.1173-14C>T (NM_001362877.2); c.1146-14C>T (NM_001317946.2); c.1092-14C>T (NM_001007468.3); c.1119-14C>T (NM_003073.4).
Identifiers: ClinVar variation 1664449 (VCV001664449.9), dbSNP rs376715644, ClinGen allele CA322582655.